The following is an entry in ClinVar:

NM_001199107.2(TBC1D24):c.56del (p.Ile19fs)

Gene: TBC1D24 (TBC1 domain family member 24; plus strand). Cytogenetic location: 16p13.3.
Variant type: Deletion.
Coding change: c.56del on transcript NM_001199107.2 (MANE Select); coding-DNA position 56, one base deleted (T; older notation c.56delT).
Protein change: p.Ile19fs; shifts the reading frame from isoleucine 19.
Molecular consequence: frameshift variant.
Genome position (GRCh38, 1-based): chr16:2,496,204, T deleted. VCF-style (leftmost placement, unchanged base first): chr16-2496203-AT-A. GRCh37 (hg19) VCF-style: chr16-2546204-AT-A.
Other names: c.56del, p.Ile19fs (NM_020705.3); short protein forms I19fs.
Identifiers: ClinVar variation 1369893 (VCV001369893.6), dbSNP rs2141870681, ClinGen allele CA2573152001.

ClinVar aggregate classification (germline): Pathogenic (1 of 4 stars; one submission).

Conditions:
Developmental and epileptic encephalopathy, 1 (DEE1). Also called: X-linked infantile spasms; West's syndrome; Tonic spasms with clustering, arrest of psychomotor development and hypsarrhythmia on EEG; X-Linked Infantile Spasm Syndrome; OHTAHARA SYNDROME, X-LINKED; INFANTILE SPASM SYNDROME, X-LINKED 1. Identifiers: MedGen C3463992, MONDO:0010632, OMIM 308350. Disease mechanism: loss of function.
Autosomal dominant nonsyndromic hearing loss 65. Also called: TBC1D24-Related Autosomal Dominant Nonsyndromic Hearing Loss (DFNA); Deafness, autosomal dominant 65. Identifiers: Orphanet 90635, MedGen C3892048, MONDO:0014470, OMIM 616044.

Submission:

Labcorp Genetics (formerly Invitae), Labcorp
Classification: Pathogenic for Developmental and epileptic encephalopathy, 1; Autosomal dominant nonsyndromic hearing loss 65. Last evaluated: 2024-12-09. Review status: criteria provided, single submitter. Criteria: Invitae Variant Classification Sherloc (09022015). Collection method: clinical testing. Allele origin: germline.
Comment: This sequence change creates a premature translational stop signal (p.Ile19Thrfs*9) in the TBC1D24 gene. It is expected to result in an absent or disrupted protein product. Loss-of-function variants in TBC1D24 are known to be pathogenic (PMID: 23526554, 24291220). This variant is not present in population databases (gnomAD no frequency). This variant has not been reported in the literature in individuals affected with TBC1D24-related conditions. ClinVar contains an entry for this variant (Variation ID: 1369893). For these reasons, this variant has been classified as Pathogenic.

Literature cited by the submitters: PubMed 23526554; PubMed 24291220.